The following is an entry in ClinVar:

ClinVar aggregate classification (germline): Likely benign (1 of 4 stars; one submission).

Submission:

CeGaT Center for Human Genetics Tuebingen
Classification: Likely benign. Last evaluated: 2022-04-01. Review status: criteria provided, single submitter. Criteria: CeGaT Center For Human Genetics Tuebingen Variant Classification Criteria Version 2. Collection method: clinical testing. Allele origin: germline. Affected: yes. Observed: 1 variant allele.
Comment: SETD2: PM2:Supporting, BP4, BP7

NM_014159.7(SETD2):c.2205C>G (p.Thr735=)

Gene: SETD2 (SET domain containing 2, histone lysine methyltransferase; minus strand). Cytogenetic location: 3p21.31.
Variant type: single nucleotide variant.
Coding change: c.2205C>G on transcript NM_014159.7 (MANE Select); coding-DNA position 2205, C replaced by G.
Protein change: p.Thr735=; no amino-acid change (threonine 735 retained).
Molecular consequence: synonymous variant. On other transcripts: non-coding transcript variant (1).
Genome position (GRCh38, 1-based): chr3:47,122,431, G>C on the plus strand (C>G on the coding strand, the complement: SETD2 is on the minus strand). VCF-style: chr3-47122431-G-C. GRCh37 (hg19) VCF-style: chr3-47163921-G-C.
Other names: c.2073C>G, p.Thr691= (NM_001349370.3).
Identifiers: ClinVar variation 1675917 (VCV001675917.33), dbSNP rs1398507583, ClinGen allele CA433602088.
Genomic context (GRCh38, chr3:47,122,431, plus strand): 5'-TGGTGACACCAGAGGTTCTGTTTCTCTAAATGGGCTTTCTGACTTCTTATGCAGCATGCA[G>C]GTATCATCCAAGTCTTTTTCTTTGCACCTACTAATATTCTGAAATCCATTTGATGAAAGC-3'
Protein context (NP_054878.5, residues 725-745): SRCKEKDLDD[Thr735=]CMLHKKSESP